The following is an entry in ClinVar:

NM_000038.6(APC):c.7337A>C (p.Glu2446Ala)

Gene: APC (APC regulator of Wnt signaling pathway; plus strand). Cytogenetic location: 5q22.2.
Variant type: single nucleotide variant.
Coding change: c.7337A>C on transcript NM_000038.6 (MANE Select); coding-DNA position 7337, A replaced by C.
Protein change: p.Glu2446Ala; replaces glutamic acid 2446 with alanine.
Molecular consequence: missense variant.
Genome position (GRCh38, 1-based): chr5:112,842,931, A>C. VCF-style: chr5-112842931-A-C. GRCh37 (hg19) VCF-style: chr5-112178628-A-C.
Other names: c.7337A>C, p.Glu2446Ala (NM_001127510.3, NM_001354895.2); c.7283A>C, p.Glu2428Ala (NM_001127511.3); c.7391A>C, p.Glu2464Ala (NM_001354896.2); c.7367A>C, p.Glu2456Ala (NM_001354897.2); c.7262A>C, p.Glu2421Ala (NM_001354898.2); c.7253A>C, p.Glu2418Ala (NM_001354899.2); c.7214A>C, p.Glu2405Ala (NM_001354900.2); c.7160A>C, p.Glu2387Ala (NM_001354901.2); and 5 more; short protein forms E2428A, E2446A, E2320A, E2421A, E2286A, E2355A, E2387A, E2405A.
Identifiers: ClinVar variation 565707 (VCV000565707.11), dbSNP rs1208660533, ClinGen allele CA16037310.
Genomic context (GRCh38, chr5:112,842,931, plus strand): 5'-GAAGTGAATCTGATAGATCAGAAAGACCTGTATTAGTACGCCAGTCAACTTTCATCAAAG[A>C]AGCTCCAAGCCCAACCTTAAGAAGAAAATTGGAGGAATCTGCTTCATTTGAATCTCTTTC-3'
Protein context (NP_000029.2, residues 2436-2456): VLVRQSTFIK[Glu2446Ala]APSPTLRRKL

ClinVar aggregate classification (germline): Uncertain significance. Review status: criteria provided, multiple submitters, no conflicts (2 of 4 stars). 2 submissions from 2 submitters: Uncertain significance (2). Last evaluated 2024-10-20.

Conditions:
Hereditary cancer-predisposing syndrome. Also called: Hereditary neoplastic syndrome; Neoplastic Syndromes, Hereditary; Tumor predisposition; Hereditary Cancer Syndrome. Identifiers: Orphanet 140162, MedGen C0027672, MeSH D009386, MONDO:0015356.
Familial adenomatous polyposis 1 (FAP1). Also called: FAMILIAL ADENOMATOUS POLYPOSIS 1, ATTENUATED; POLYPOSIS, ADENOMATOUS INTESTINAL. Identifiers: MedGen C2713442, MONDO:0021056, OMIM 175100. Disease mechanism: loss of function.

Allele frequency attached by ClinVar (database versions not stated): gnomAD exomes below 0.00001.
gnomAD v4.1: 2 of 1,614,038 alleles (0.00012%); highest among the groups gnomAD compares: Non-Finnish European, 0.000085%; no homozygotes.

Submissions (2):

Ambry Genetics
Classification: Uncertain significance for Hereditary cancer-predisposing syndrome. Last evaluated: 2024-10-20. Review status: criteria provided, single submitter. Criteria: Ambry Variant Classification Scheme 2023. Collection method: clinical testing. Allele origin: germline.
Comment: The p.E2446A variant (also known as c.7337A>C), located in coding exon 15 of the APC gene, results from an A to C substitution at nucleotide position 7337. The glutamic acid at codon 2446 is replaced by alanine, an amino acid with dissimilar properties. This amino acid position is conserved. In addition, in silico predictors for this gene do not accurately predict pathogenicity. Based on the available evidence, the clinical significance of this variant remains unclear.

Labcorp Genetics (formerly Invitae), Labcorp
Classification: Uncertain significance for Familial adenomatous polyposis 1. Last evaluated: 2024-03-07. Review status: criteria provided, single submitter. Criteria: Invitae Variant Classification Sherloc (09022015). Collection method: clinical testing. Allele origin: germline.
Comment: This sequence change replaces glutamic acid, which is acidic and polar, with alanine, which is neutral and non-polar, at codon 2446 of the APC protein (p.Glu2446Ala). This variant is present in population databases (no rsID available, gnomAD 0.0009%). This variant has not been reported in the literature in individuals affected with APC-related conditions. ClinVar contains an entry for this variant (Variation ID: 565707). Advanced modeling of protein sequence and biophysical properties (such as structural, functional, and spatial information, amino acid conservation, physicochemical variation, residue mobility, and thermodynamic stability) performed at Invitae indicates that this missense variant is not expected to disrupt APC protein function with a negative predictive value of 95%. In summary, the available evidence is currently insufficient to determine the role of this variant in disease. Therefore, it has been classified as a Variant of Uncertain Significance.